The following is an entry in ClinVar:

NM_001194998.2(CEP152):c.88-3C>G

Gene: CEP152 (centrosomal protein 152; minus strand). Cytogenetic location: 15q21.1.
Variant type: single nucleotide variant.
Coding change: c.88-3C>G on transcript NM_001194998.2 (MANE Select); 3 bases into the intron before coding-DNA position 88, C replaced by G.
Molecular consequence: intron variant.
Genome position (GRCh38, 1-based): chr15:48,798,054, G>C on the plus strand (C>G on the coding strand, the complement: CEP152 is on the minus strand). VCF-style: chr15-48798054-G-C. GRCh37 (hg19) VCF-style: chr15-49090251-G-C.
Other names: c.88-3C>G (NM_014985.4).
Identifiers: ClinVar variation 1960177 (VCV001960177.2), dbSNP rs373021671, ClinGen allele CA269574353.

ClinVar aggregate classification (germline): Uncertain significance (1 of 4 stars; one submission).

gnomAD v4.1: 14 of 1,611,460 alleles (0.00087%); highest among the groups gnomAD compares: Non-Finnish European, 0.0012%; no homozygotes.

Submission:

Labcorp Genetics (formerly Invitae), Labcorp
Classification: Uncertain significance. Last evaluated: 2022-04-23. Review status: criteria provided, single submitter. Criteria: Invitae Variant Classification Sherloc (09022015). Collection method: clinical testing. Allele origin: germline.
Comment: This sequence change falls in intron 2 of the CEP152 gene. It does not directly change the encoded amino acid sequence of the CEP152 protein. It affects a nucleotide within the consensus splice site. This variant is present in population databases (no rsID available, gnomAD 0.003%). This variant has not been reported in the literature in individuals affected with CEP152-related conditions. Variants that disrupt the consensus splice site are a relatively common cause of aberrant splicing (PMID: 17576681, 9536098). Algorithms developed to predict the effect of sequence changes on RNA splicing suggest that this variant may disrupt the consensus splice site. In summary, the available evidence is currently insufficient to determine the role of this variant in disease. Therefore, it has been classified as a Variant of Uncertain Significance.

Literature cited by the submitters: PubMed 17576681; PubMed 9536098.